The following is an entry in ClinVar:

NM_005251.3(FOXC2):c.1492T>C (p.Cys498Arg)

Gene: FOXC2 (forkhead box C2; plus strand). Cytogenetic location: 16q24.1.
Variant type: single nucleotide variant.
Coding change: c.1492T>C on transcript NM_005251.3 (MANE Select); coding-DNA position 1492, T replaced by C.
Protein change: p.Cys498Arg; replaces cysteine 498 with arginine.
Molecular consequence: missense variant.
Genome position (GRCh38, 1-based): chr16:86,568,827, T>C. VCF-style: chr16-86568827-T-C. GRCh37 (hg19) VCF-style: chr16-86602433-T-C.
Other names: c.1492T>C (NM_005251.2); short protein forms C498R.
Identifiers: ClinVar variation 2024336 (VCV002024336.29), dbSNP rs61753346, ClinGen allele CA8218498.
Genomic context (GRCh38, chr16:86,568,827, plus strand): 5'-CAGCTGCCCTACAGATCCACGCCGCCTCTCTATCGCCACGCAGCCCCCTACTCCTACGAC[T>C]GCACGAAATACTGACGTGTCCCGGGACCTCCCCTCCCCGGCCCGCTCCGGCTTCGCTTCC-3'
Protein context (NP_005242.1, residues 488-501): YRHAAPYSYD[Cys498Arg]TKY

ClinVar aggregate classification (germline): Benign/Likely benign. Review status: criteria provided, multiple submitters, no conflicts (2 of 4 stars). 3 submissions from 3 submitters: Benign (1); Likely benign (1). 1 of the submissions does not count toward it. Last evaluated 2025-12-31.

Conditions:
FOXC2-related disorder. Also called: FOXC2-related condition.

Allele frequency attached by ClinVar (database versions not stated): 1000 Genomes Project 0.00040; 1000 Genomes Project 30x 0.00047; ESP Exome Variant Server 0.00121; gnomAD 0.00127; TOPMed 0.00140; gnomAD exomes 0.00176.

Submissions (3):

Labcorp Genetics (formerly Invitae), Labcorp
Classification: Benign. Last evaluated: 2025-12-31. Review status: criteria provided, single submitter. Criteria: Invitae Variant Classification Sherloc (09022015). Collection method: clinical testing. Allele origin: germline.

CeGaT Center for Human Genetics Tuebingen
Classification: Likely benign. Last evaluated: 2025-06-01. Review status: criteria provided, single submitter. Criteria: CeGaT Center For Human Genetics Tuebingen Variant Classification Criteria Version 2. Collection method: clinical testing. Allele origin: germline. Affected: yes. Observed: 4 variant alleles.
Comment: FOXC2: PP3, BS1

PreventionGenetics, part of Exact Sciences
Classification: Likely benign for FOXC2-related condition. Last evaluated: 2019-09-10. Review status: no assertion criteria provided. Collection method: clinical testing. Allele origin: germline. Not counted in ClinVar's aggregate classification.
Comment: This variant is classified as likely benign based on ACMG/AMP sequence variant interpretation guidelines (Richards et al. 2015 PMID: 25741868, with internal and published modifications).